The following is an entry in ClinVar:

ClinVar aggregate classification (germline): Uncertain significance. Review status: criteria provided, multiple submitters, no conflicts (2 of 4 stars). 3 submissions from 3 submitters: Uncertain significance (3). Last evaluated 2025-12-15.

Conditions:
Familial thoracic aortic aneurysm and aortic dissection (TAAD). Also called: Thoracic aortic aneurysms and dissections. Identifiers: Orphanet 91387, MedGen C4707243, MONDO:0019625.

Allele frequency attached by ClinVar (database versions not stated): gnomAD exomes below 0.00001.
gnomAD v4.1: 2 of 1,584,322 alleles (0.00013%); highest among the groups gnomAD compares: East Asian, 0.0023%; no homozygotes.

Submissions (3):

Color Diagnostics, LLC DBA Color Health
Classification: Uncertain significance for Familial thoracic aortic aneurysm and aortic dissection. Last evaluated: 2025-12-15. Review status: criteria provided, single submitter. Criteria: ACMG Guidelines, 2015. Collection method: clinical testing. Allele origin: germline.
Comment: This missense variant replaces arginine with histidine at codon 1740 of the MYH11 protein. Computational prediction is inconclusive regarding the impact of this variant on protein structure and function. To our knowledge, functional studies have not been reported for this variant. This variant has not been reported in individuals affected with MYH11-related disorders in the literature. This variant has been identified in 3/205510 chromosomes in the general population by the Genome Aggregation Database (gnomAD). The available evidence is insufficient to determine the role of this variant in disease conclusively. Therefore, this variant is classified as a Variant of Uncertain Significance.

All of Us Research Program, National Institutes of Health
Classification: Uncertain significance for Familial thoracic aortic aneurysm and aortic dissection. Last evaluated: 2024-02-22. Review status: criteria provided, single submitter. Criteria: ACMG Guidelines, 2015. Collection method: clinical testing. Allele origin: germline. Inheritance: Autosomal dominant inheritance. Observed: 1 variant allele, 1 heterozygote.
Comment: This missense variant replaces arginine with histidine at codon 1740 of the MYH11 protein. Computational prediction is inconclusive regarding the impact of this variant on protein structure and function (internally defined REVEL score threshold 0.5 < inconclusive < 0.7, PMID: 27666373). To our knowledge, functional studies have not been reported for this variant. This variant has not been reported in individuals affected with MYH11-related disorders in the literature. This variant has been identified in 3/205510 chromosomes in the general population by the Genome Aggregation Database (gnomAD). The available evidence is insufficient to determine the role of this variant in disease conclusively. Therefore, this variant is classified as a Variant of Uncertain Significance.

This study involves interpretation of variants in research participants for the purpose of population health screening. Participant phenotype was not available at the time of variant classification. Additional details can be found in publication PMID: 35346344, PMCID: PMC8962531

Ambry Genetics
Classification: Uncertain significance for Familial thoracic aortic aneurysm and aortic dissection. Last evaluated: 2023-04-14. Review status: criteria provided, single submitter. Criteria: Ambry Variant Classification Scheme 2023. Collection method: clinical testing. Allele origin: germline.
Comment: The p.R1733H variant (also known as c.5198G>A), located in coding exon 36 of the MYH11 gene, results from a G to A substitution at nucleotide position 5198. The arginine at codon 1733 is replaced by histidine, an amino acid with highly similar properties. This amino acid position is conserved. In addition, the in silico prediction for this alteration is inconclusive. Since supporting evidence is limited at this time, the clinical significance of this alteration remains unclear.

NM_002474.3(MYH11):c.5198G>A (p.Arg1733His)

Genes: MYH11 (myosin heavy chain 11; minus strand), NDE1 (nudE neurodevelopment protein 1; plus strand). Cytogenetic location: 16p13.11.
Variant type: single nucleotide variant.
Coding change: c.5198G>A on transcript NM_002474.3 (MANE Select); coding-DNA position 5198, G replaced by A.
Protein change: p.Arg1733His; replaces arginine 1733 with histidine.
Molecular consequence: missense variant. On other transcripts: intron variant (2).
Genome position (GRCh38, 1-based): chr16:15,718,412, C>T on the plus strand (G>A on the coding strand, the complement: MYH11 is on the minus strand). VCF-style: chr16-15718412-C-T. GRCh37 (hg19) VCF-style: chr16-15812269-C-T.
Other names: c.5219G>A, p.Arg1740His (NM_001040113.2, NM_001040114.2); c.5198G>A, p.Arg1733His (NM_022844.3); c.948-5779C>T (NM_001143979.2, NM_017668.3); short protein forms R1733H, R1740H.
Identifiers: ClinVar variation 2563070 (VCV002563070.4), dbSNP rs1326687858, ClinGen allele CA394850237.